The following is an entry in ClinVar:

ClinVar aggregate classification (germline): Uncertain significance (1 of 4 stars; one submission).

Submission:

Labcorp Genetics (formerly Invitae), Labcorp
Classification: Uncertain significance. Last evaluated: 2022-01-05. Review status: criteria provided, single submitter. Criteria: Invitae Variant Classification Sherloc (09022015). Collection method: clinical testing. Allele origin: germline.
Comment: Algorithms developed to predict the effect of missense changes on protein structure and function output the following: SIFT: "Tolerated"; PolyPhen-2: "Benign"; Align-GVGD: "Class C0". The glycine amino acid residue is found in multiple mammalian species, which suggests that this missense change does not adversely affect protein function. In summary, the available evidence is currently insufficient to determine the role of this variant in disease. Therefore, it has been classified as a Variant of Uncertain Significance. This variant has not been reported in the literature in individuals affected with CHM-related conditions. This variant is not present in population databases (gnomAD no frequency). This sequence change replaces cysteine, which is neutral and slightly polar, with glycine, which is neutral and non-polar, at codon 580 of the CHM protein (p.Cys580Gly).

NM_000390.4(CHM):c.1738T>G (p.Cys580Gly)

Gene: CHM (CHM Rab escort protein; minus strand). Cytogenetic location: Xq21.2.
Variant type: single nucleotide variant.
Coding change: c.1738T>G on transcript NM_000390.4 (MANE Select); coding-DNA position 1738, T replaced by G.
Protein change: p.Cys580Gly; replaces cysteine 580 with glycine.
Molecular consequence: missense variant.
Genome position (GRCh38, 1-based): chrX:85,873,084, A>C on the plus strand (T>G on the coding strand, the complement: CHM is on the minus strand). VCF-style: chrX-85873084-A-C. GRCh37 (hg19) VCF-style: chrX-85128089-A-C.
Other names: c.1294T>G, p.Cys432Gly (NM_001320959.1, NM_001362517.1, NM_001362518.2 and 1 more transcripts); short protein forms C580G, C432G.
Identifiers: ClinVar variation 2075379 (VCV002075379.4), dbSNP rs2520014156, ClinGen allele CA413786359.